The following is an entry in ClinVar:

NM_001429.4(EP300):c.706T>C (p.Leu236=)

Gene: EP300 (EP300 lysine acetyltransferase; plus strand). Cytogenetic location: 22q13.2.
Variant type: single nucleotide variant.
Coding change: c.706T>C on transcript NM_001429.4 (MANE Select); coding-DNA position 706, T replaced by C.
Protein change: p.Leu236=; no amino-acid change (leucine 236 retained).
Molecular consequence: synonymous variant.
Genome position (GRCh38, 1-based): chr22:41,117,798, T>C. VCF-style: chr22-41117798-T-C. GRCh37 (hg19) VCF-style: chr22-41513802-T-C.
Other names: c.706T>C, p.Leu236= (NM_001362843.2).
Identifiers: ClinVar variation 3358134 (VCV003358134.4).

ClinVar aggregate classification (germline): Likely benign. Review status: criteria provided, multiple submitters, no conflicts (2 of 4 stars). 3 submissions from 3 submitters: Likely benign (2). 1 of the submissions does not count toward it. Last evaluated 2024-11-24.

Conditions:
EP300-related disorder. Also called: EP300-related disorders; EP300-related condition.
Rubinstein-Taybi syndrome due to EP300 haploinsufficiency. Also called: EP300-Related Rubinstein-Taybi Syndrome; RUBINSTEIN-TAYBI SYNDROME 2. Identifiers: Orphanet 353284, Orphanet 783, MedGen C3150941, MONDO:0013364, OMIM 613684.

gnomAD v4.1: 9 of 1,614,006 alleles (0.00056%); highest among the groups gnomAD compares: Non-Finnish European, 0.00076%; no homozygotes.

Submissions (3):

Labcorp Genetics (formerly Invitae), Labcorp
Classification: Likely benign for Rubinstein-Taybi syndrome due to EP300 haploinsufficiency. Last evaluated: 2024-11-24. Review status: criteria provided, single submitter. Criteria: Invitae Variant Classification Sherloc (09022015). Collection method: clinical testing. Allele origin: germline.

Blueprint Genetics
Classification: Likely benign. Last evaluated: 2022-10-26. Review status: criteria provided, single submitter. Criteria: ACMG Guidelines, 2015. Collection method: clinical testing. Allele origin: germline.

PreventionGenetics, part of Exact Sciences
Classification: Likely benign for EP300-related condition. Last evaluated: 2024-08-20. Review status: no assertion criteria provided. Collection method: clinical testing. Allele origin: germline. Not counted in ClinVar's aggregate classification.
Comment: This variant is classified as likely benign based on ACMG/AMP sequence variant interpretation guidelines (Richards et al. 2015 PMID: 25741868, with internal and published modifications).